The following is an entry in ClinVar:

ClinVar aggregate classification (germline): Uncertain significance. Review status: criteria provided, multiple submitters, no conflicts (2 of 4 stars). 3 submissions from 3 submitters: Uncertain significance (3). Last evaluated 2024-01-02.

Conditions:
Osteogenesis imperfecta type 8 (OI8). Identifiers: MedGen C1970458, MONDO:0012581, OMIM 610915.

Allele frequency attached by ClinVar (database versions not stated): gnomAD exomes 0.00001 and 0.00002; ExAC 0.00002; gnomAD 0.00002; TOPMed 0.00002.
gnomAD v4.1: 37 of 1,614,052 alleles (0.0023%); highest among the groups gnomAD compares: Non-Finnish European, 0.0031%; no homozygotes.

Submissions (3):

Labcorp Genetics (formerly Invitae), Labcorp
Classification: Uncertain significance for Osteogenesis imperfecta type 8. Last evaluated: 2024-01-02. Review status: criteria provided, single submitter. Criteria: Invitae Variant Classification Sherloc (09022015). Collection method: clinical testing. Allele origin: germline.
Comment: This sequence change replaces threonine, which is neutral and polar, with isoleucine, which is neutral and non-polar, at codon 318 of the P3H1 protein (p.Thr318Ile). This variant is present in population databases (rs201020061, gnomAD 0.002%). This variant has not been reported in the literature in individuals affected with P3H1-related conditions. ClinVar contains an entry for this variant (Variation ID: 569598). Advanced modeling of protein sequence and biophysical properties (such as structural, functional, and spatial information, amino acid conservation, physicochemical variation, residue mobility, and thermodynamic stability) performed at Invitae indicates that this missense variant is not expected to disrupt P3H1 protein function with a negative predictive value of 80%. In summary, the available evidence is currently insufficient to determine the role of this variant in disease. Therefore, it has been classified as a Variant of Uncertain Significance.

Genome-Nilou Lab
Classification: Uncertain significance for Osteogenesis imperfecta type 8. Last evaluated: 2023-04-11. Review status: criteria provided, single submitter. Criteria: ACMG Guidelines, 2015. Collection method: clinical testing. Allele origin: germline. Affected: no.

GeneDx
Classification: Uncertain significance. Last evaluated: 2019-12-02. Review status: criteria provided, single submitter. Criteria: GeneDx Variant Classification Process June 2021. Collection method: clinical testing. Allele origin: germline. Affected: yes.
Comment: Not observed at a significant frequency in large population cohorts (Lek et al., 2016); In silico analysis, which includes protein predictors and evolutionary conservation, supports that this variant does not alter protein structure/function; Has not been previously published as pathogenic or benign to our knowledge

NM_022356.4(P3H1):c.953C>T (p.Thr318Ile)

Gene: P3H1 (prolyl 3-hydroxylase 1; minus strand). Cytogenetic location: 1p34.2.
Variant type: single nucleotide variant.
Coding change: c.953C>T on transcript NM_022356.4 (MANE Select); coding-DNA position 953, C replaced by T.
Protein change: p.Thr318Ile; replaces threonine 318 with isoleucine.
Molecular consequence: missense variant.
Genome position (GRCh38, 1-based): chr1:42,757,910, G>A on the plus strand (C>T on the coding strand, the complement: P3H1 is on the minus strand). VCF-style: chr1-42757910-G-A. GRCh37 (hg19) VCF-style: chr1-43223581-G-A.
Other names: c.953C>T, p.Thr318Ile (NM_001146289.2, NM_001243246.2); short protein forms T318I.
Identifiers: ClinVar variation 569598 (VCV000569598.10), dbSNP rs201020061, ClinGen allele CA802009.